The following is an entry in ClinVar:

NM_020461.4(TUBGCP6):c.1044G>A (p.Lys348=)

Gene: TUBGCP6 (tubulin gamma complex component 6; minus strand). Cytogenetic location: 22q13.33.
Variant type: single nucleotide variant.
Coding change: c.1044G>A on transcript NM_020461.4 (MANE Select); coding-DNA position 1044, G replaced by A.
Protein change: p.Lys348=; no amino-acid change (lysine 348 retained).
Molecular consequence: synonymous variant.
Genome position (GRCh38, 1-based): chr22:50,233,388, C>T on the plus strand (G>A on the coding strand, the complement: TUBGCP6 is on the minus strand). VCF-style: chr22-50233388-C-T. GRCh37 (hg19) VCF-style: chr22-50671817-C-T.
Identifiers: ClinVar variation 1673479 (VCV001673479.15), dbSNP rs548131980, ClinGen allele CA10308855.

ClinVar aggregate classification (germline): Benign/Likely benign. Review status: criteria provided, multiple submitters, no conflicts (2 of 4 stars). 3 submissions from 3 submitters: Benign (1); Likely benign (2). Last evaluated 2025-11-01.

Allele frequency attached by ClinVar (database versions not stated): gnomAD 0.00004; gnomAD exomes 0.00010 and 0.00023; ExAC 0.00025; 1000 Genomes Project 0.00060; 1000 Genomes Project 30x 0.00062.

Submissions (3):

CeGaT Center for Human Genetics Tuebingen
Classification: Likely benign. Last evaluated: 2025-11-01. Review status: criteria provided, single submitter. Criteria: CeGaT Center For Human Genetics Tuebingen Variant Classification Criteria Version 2. Collection method: clinical testing. Allele origin: germline. Affected: yes. Observed: 1 variant allele.
Comment: TUBGCP6: BP4, BP7

Labcorp Genetics (formerly Invitae), Labcorp
Classification: Benign. Last evaluated: 2025-04-17. Review status: criteria provided, single submitter. Criteria: Invitae Variant Classification Sherloc (09022015). Collection method: clinical testing. Allele origin: germline.

Blueprint Genetics
Classification: Likely benign. Last evaluated: 2024-09-24. Review status: criteria provided, single submitter. Criteria: ACMG Guidelines, 2015. Collection method: clinical testing. Allele origin: germline.